The following is an entry in ClinVar:

NM_000179.3(MSH6):c.1564C>T (p.Gln522Ter)

Gene: MSH6 (mutS homolog 6; plus strand). Cytogenetic location: 2p16.3.
Variant type: single nucleotide variant.
Coding change: c.1564C>T on transcript NM_000179.3 (MANE Select); coding-DNA position 1564, C replaced by T.
Protein change: p.Gln522Ter; replaces glutamine 522 with a stop codon.
Molecular consequence: nonsense.
Genome position (GRCh38, 1-based): chr2:47,799,547, C>T. VCF-style: chr2-47799547-C-T. GRCh37 (hg19) VCF-style: chr2-48026686-C-T.
Other names: c.1174C>T, p.Gln392Ter (NM_001281492.2); c.658C>T, p.Gln220Ter (NM_001281493.2, NM_001281494.2, NM_001406811.1 and 6 more transcripts); c.1660C>T, p.Gln554Ter (NM_001406795.1, NM_001406802.1); c.1564C>T, p.Gln522Ter (NM_001406796.1, NM_001406798.1, NM_001406800.1 and 4 more transcripts); c.1267C>T, p.Gln423Ter (NM_001406797.1, NM_001406801.1, NM_001406805.1 and 10 more transcripts); c.1039C>T, p.Gln347Ter (NM_001406799.1, NM_001406806.1, NM_001406807.1); c.1486C>T, p.Gln496Ter (NM_001406804.1); c.1570C>T, p.Gln524Ter (NM_001406813.1); and 1 more; short protein forms Q220*, Q347*, Q392*, Q522*, Q466*, Q496*, Q524*, Q423*.
Identifiers: ClinVar variation 1775337 (VCV001775337.4), dbSNP rs878853708, ClinGen allele CA346746744.

ClinVar aggregate classification (germline): Pathogenic. Review status: criteria provided, multiple submitters, no conflicts (2 of 4 stars). 2 submissions from 2 submitters: Pathogenic (2). Last evaluated 2025-04-30.

Conditions:
Hereditary cancer-predisposing syndrome. Also called: Hereditary Cancer Syndrome; Hereditary neoplastic syndrome; Neoplastic Syndromes, Hereditary; Tumor predisposition. Identifiers: Orphanet 140162, MedGen C0027672, MeSH D009386, MONDO:0015356.
Lynch syndrome 5 (LYNCH5). Also called: Hereditary non-polyposis colorectal cancer, type 5; Colorectal cancer, hereditary nonpolyposis, type 5. Identifiers: Orphanet 144, MedGen C1833477, MONDO:0013710, OMIM 614350. Disease mechanism: loss of function.

Submissions (2):

Ambry Genetics
Classification: Pathogenic for Hereditary cancer-predisposing syndrome. Last evaluated: 2025-04-30. Review status: criteria provided, single submitter. Criteria: Ambry Variant Classification Scheme 2023. Collection method: clinical testing. Allele origin: germline.
Comment: The p.Q522* pathogenic mutation (also known as c.1564C>T), located in coding exon 4 of the MSH6 gene, results from a C to T substitution at nucleotide position 1564. This changes the amino acid from a glutamine to a stop codon within coding exon 4. This variant is considered to be rare based on population cohorts in the Genome Aggregation Database (gnomAD). This alteration is expected to result in loss of function by premature protein truncation or nonsense-mediated mRNA decay. As such, this alteration is interpreted as a disease-causing mutation.

Myriad Genetics, Inc.
Classification: Pathogenic for Lynch syndrome 5. Last evaluated: 2023-08-14. Review status: criteria provided, single submitter. Criteria: Myriad Autosomal Dominant, Autosomal Recessive and X-Linked Classification Criteria (2023). Collection method: clinical testing. Allele origin: unknown.
Comment: This variant is considered pathogenic. This variant creates a termination codon and is predicted to result in premature protein truncation.